The following is an entry in ClinVar:

NM_032578.4(MYPN):c.2294T>G (p.Val765Gly)

Gene: MYPN (myopalladin; plus strand). Cytogenetic location: 10q21.3.
Variant type: single nucleotide variant.
Coding change: c.2294T>G on transcript NM_032578.4 (MANE Select); coding-DNA position 2294, T replaced by G.
Protein change: p.Val765Gly; replaces valine 765 with glycine.
Molecular consequence: missense variant. On other transcripts: non-coding transcript variant (2).
Genome position (GRCh38, 1-based): chr10:68,174,386, T>G. VCF-style: chr10-68174386-T-G. GRCh37 (hg19) VCF-style: chr10-69934143-T-G.
Other names: c.2294T>G, p.Val765Gly (NM_001256267.2); c.1412T>G, p.Val471Gly (NM_001256268.2); short protein forms V471G, V765G.
Identifiers: ClinVar variation 1307041 (VCV001307041.6), dbSNP rs759184337, ClinGen allele CA208204195.

ClinVar aggregate classification (germline): Uncertain significance. Review status: criteria provided, multiple submitters, no conflicts (2 of 4 stars). 2 submissions from 2 submitters: Uncertain significance (2). Last evaluated 2022-06-18.

Conditions:
Dilated cardiomyopathy 1KK (CMD1KK). Identifiers: Orphanet 154, Orphanet 75249, MedGen C3714995, MONDO:0014100, OMIM 615248.

Allele frequency attached by ClinVar (database versions not stated): TOPMed 0.00002.
gnomAD v4.1: 11 of 1,614,140 alleles (0.00068%); highest among the groups gnomAD compares: Non-Finnish European, 0.00093%; no homozygotes.

Submissions (2):

Labcorp Genetics (formerly Invitae), Labcorp
Classification: Uncertain significance for Dilated cardiomyopathy 1KK. Last evaluated: 2022-06-18. Review status: criteria provided, single submitter. Criteria: Invitae Variant Classification Sherloc (09022015). Collection method: clinical testing. Allele origin: germline.
Comment: Algorithms developed to predict the effect of missense changes on protein structure and function output the following: SIFT: "Tolerated"; PolyPhen-2: "Benign"; Align-GVGD: "Class C0". The glycine amino acid residue is found in multiple mammalian species, which suggests that this missense change does not adversely affect protein function. ClinVar contains an entry for this variant (Variation ID: 1307041). This variant has not been reported in the literature in individuals affected with MYPN-related conditions. This variant is present in population databases (no rsID available, gnomAD 0.002%). This sequence change replaces valine, which is neutral and non-polar, with glycine, which is neutral and non-polar, at codon 765 of the MYPN protein (p.Val765Gly). In summary, the available evidence is currently insufficient to determine the role of this variant in disease. Therefore, it has been classified as a Variant of Uncertain Significance.

GeneDx
Classification: Uncertain significance. Last evaluated: 2019-07-10. Review status: criteria provided, single submitter. Criteria: GeneDx Variant Classification Process June 2021. Collection method: clinical testing. Allele origin: germline. Affected: yes.
Comment: Has not been previously published as pathogenic or benign to our knowledge; Not observed at a significant frequency in large population cohorts (Lek et al., 2016); In silico analysis, which includes protein predictors and evolutionary conservation, supports that this variant does not alter protein structure/function